The following is an entry in ClinVar:

ClinVar aggregate classification (germline): Uncertain significance (1 of 4 stars; one submission).

Conditions:
Familial thoracic aortic aneurysm and aortic dissection (TAAD). Also called: Thoracic aortic aneurysms and dissections. Identifiers: Orphanet 91387, MedGen C4707243, MONDO:0019625.

Allele frequency attached by ClinVar (database versions not stated): gnomAD exomes below 0.00001.
gnomAD v4.1: 2 of 1,614,034 alleles (0.00012%); highest among the groups gnomAD compares: South Asian, 0.0011%; no homozygotes.

Submission:

All of Us Research Program, National Institutes of Health
Classification: Uncertain significance for Familial thoracic aortic aneurysm and aortic dissection. Last evaluated: 2023-06-26. Review status: criteria provided, single submitter. Criteria: ACMG Guidelines, 2015. Collection method: clinical testing. Allele origin: germline. Inheritance: Autosomal dominant inheritance. Observed: 1 variant allele, 1 heterozygote.
Comment: This missense variant replaces isoleucine with valine at codon 291 of the ACTA2 protein. Computational prediction is inconclusive regarding the impact of this variant on protein structure and function (internally defined REVEL score threshold 0.5 < inconclusive < 0.7, PMID: 27666373). To our knowledge, functional studies have not been reported for this variant. This variant has not been reported in individuals affected with ACTA2-related disorders in the literature. This variant has been identified in 1/251120 chromosomes in the general population by the Genome Aggregation Database (gnomAD). The available evidence is insufficient to determine the role of this variant in disease conclusively. Therefore, this variant is classified as a Variant of Uncertain Significance.

This study involves interpretation of variants in research participants for the purpose of population health screening. Participant phenotype was not available at the time of variant classification. Additional details can be found in publication PMID: 35346344, PMCID: PMC8962531

NM_001613.4(ACTA2):c.871A>G (p.Ile291Val)

Genes: ACTA2 (actin alpha 2, smooth muscle; minus strand), ACTA2-AS1 (ACTA2 antisense RNA 1; plus strand). Cytogenetic location: 10q23.31.
Variant type: single nucleotide variant.
Coding change: c.871A>G on transcript NM_001613.4 (MANE Select); coding-DNA position 871, A replaced by G.
Protein change: p.Ile291Val; replaces isoleucine 291 with valine.
Molecular consequence: missense variant.
Genome position (GRCh38, 1-based): chr10:88,938,180, T>C on the plus strand (A>G on the coding strand, the complement: ACTA2 is on the minus strand). VCF-style: chr10-88938180-T-C. GRCh37 (hg19) VCF-style: chr10-90697937-T-C.
Other names: c.871A>G, p.Ile291Val (NM_001141945.3, NM_001320855.2, NM_001406462.1 and 2 more transcripts); c.760A>G, p.Ile254Val (NM_001406466.1); c.742A>G, p.Ile248Val (NM_001406467.1, NM_001406468.1, NM_001406469.1); c.679A>G, p.Ile227Val (NM_001406471.1); short protein forms I227V, I248V, I254V, I291V.
Identifiers: ClinVar variation 3071963 (VCV003071963.1), dbSNP rs1231881251, ClinGen allele CA377510900.